The following is an entry in ClinVar:

ClinVar aggregate classification (germline): Uncertain significance. Review status: criteria provided, multiple submitters, no conflicts (2 of 4 stars). 4 submissions from 4 submitters: Uncertain significance (4). Last evaluated 2024-05-31.

Conditions:
Asphyxiating thoracic dystrophy 5 (SRTD5). Also called: SHORT-RIB THORACIC DYSPLASIA 5 WITHOUT POLYDACTYLY; SHORT-RIB THORACIC DYSPLASIA 5 WITH OR WITHOUT POLYDACTYLY. Identifiers: Orphanet 474, MedGen C3280598, MONDO:0013717, OMIM 614376.
Nephronophthisis 13 (NPHP13). Identifiers: Orphanet 655, MedGen C3280612, MONDO:0013718, OMIM 614377.
Cranioectodermal dysplasia 4 (CED4). Identifiers: Orphanet 1515, MedGen C3280616, MONDO:0013719, OMIM 614378.
Spermatogenic failure 72 (SPGF72). Identifiers: MedGen C5676980, MONDO:0030809, OMIM 619867.
Senior-Loken syndrome 8 (SLSN8). Identifiers: Orphanet 3156, MedGen C4225376, MONDO:0014579, OMIM 616307.
Inborn genetic diseases. Identifiers: MedGen C0950123, MeSH D030342.

Allele frequency attached by ClinVar (database versions not stated): ExAC 0.00003; gnomAD exomes 0.00004; gnomAD 0.00007 and 0.00008; ESP Exome Variant Server 0.00008; TOPMed 0.00008.
gnomAD v4.1: 67 of 1,613,758 alleles (0.0042%); highest among the groups gnomAD compares: African/African-American, 0.0093%; no homozygotes.

Submissions (4):

Fulgent Genetics
Classification: Uncertain significance for Asphyxiating thoracic dystrophy 5; Nephronophthisis 13; Cranioectodermal dysplasia 4; Senior-Loken syndrome 8; Spermatogenic failure 72. Last evaluated: 2024-05-31. Review status: criteria provided, single submitter. Criteria: ACMG Guidelines, 2015. Collection method: clinical testing. Allele origin: germline.

Labcorp Genetics (formerly Invitae), Labcorp
Classification: Uncertain significance for Senior-Loken syndrome 8; Asphyxiating thoracic dystrophy 5. Last evaluated: 2022-08-23. Review status: criteria provided, single submitter. Criteria: Invitae Variant Classification Sherloc (09022015). Collection method: clinical testing. Allele origin: germline.
Comment: This sequence change replaces arginine, which is basic and polar, with histidine, which is basic and polar, at codon 464 of the WDR19 protein (p.Arg464His). This variant is present in population databases (rs369201153, gnomAD 0.007%). This variant has not been reported in the literature in individuals affected with WDR19-related conditions. ClinVar contains an entry for this variant (Variation ID: 1385494). Algorithms developed to predict the effect of missense changes on protein structure and function (SIFT, PolyPhen-2, Align-GVGD) all suggest that this variant is likely to be tolerated. In summary, the available evidence is currently insufficient to determine the role of this variant in disease. Therefore, it has been classified as a Variant of Uncertain Significance.

Blueprint Genetics
Classification: Uncertain significance. Last evaluated: 2021-08-24. Review status: criteria provided, single submitter. Criteria: ACMG Guidelines, 2015. Collection method: clinical testing. Allele origin: germline.

Ambry Genetics
Classification: Uncertain significance for Inborn genetic diseases. Last evaluated: 2021-06-18. Review status: criteria provided, single submitter. Criteria: Ambry Variant Classification Scheme 2023. Collection method: clinical testing. Allele origin: germline.

NM_025132.4(WDR19):c.1391G>A (p.Arg464His)

Gene: WDR19 (WD repeat domain 19; plus strand). Cytogenetic location: 4p14.
Variant type: single nucleotide variant.
Coding change: c.1391G>A on transcript NM_025132.4 (MANE Select); coding-DNA position 1391, G replaced by A.
Protein change: p.Arg464His; replaces arginine 464 with histidine.
Molecular consequence: missense variant.
Genome position (GRCh38, 1-based): chr4:39,218,017, G>A. VCF-style: chr4-39218017-G-A. GRCh37 (hg19) VCF-style: chr4-39219637-G-A.
Other names: c.911G>A, p.Arg304His (NM_001317924.2); c.1391G>A (NM_025132.3); short protein forms R304H, R464H.
Identifiers: ClinVar variation 1385494 (VCV001385494.9), dbSNP rs369201153, ClinGen allele CA2891839.
Genomic context (GRCh38, chr4:39,218,017, plus strand): 5'-AGCCATTATTATTCTTTACGTTTTAGATAGAAAGCGAAATCTTGGATGCTCAAGAAGAAC[G>A]TGAGACTCGGCTTTTCCCAGCAGTGGATGATAAGTGCCGTATCTTATGCCATGCCTTAAC-3'
Protein context (NP_079408.3, residues 454-474): ESEILDAQEE[Arg464His]ETRLFPAVDD